The following is an entry in ClinVar:

ClinVar aggregate classification (germline): Benign/Likely benign. Review status: criteria provided, multiple submitters, no conflicts (2 of 4 stars). 3 submissions from 3 submitters: Benign (1); Likely benign (2). Last evaluated 2026-02-02.

Conditions:
Argininosuccinate lyase deficiency. Also called: ARGININOSUCCINIC ACID LYASE DEFICIENCY; ASL DEFICIENCY; Argininosuccinic aciduria. Identifiers: Orphanet 23, MedGen C0268547, MONDO:0008815, OMIM 207900, HP:0025630.

Allele frequency attached by ClinVar (database versions not stated): ESP Exome Variant Server 0.00015; TOPMed 0.00030; 1000 Genomes Project 30x 0.00141; 1000 Genomes Project 0.00180.
gnomAD v4.1: 331 of 1,614,114 alleles (0.021%); highest among the groups gnomAD compares: East Asian, 0.42%; 1 homozygote.

Submissions (7):

Labcorp Genetics (formerly Invitae), Labcorp
Classification: Benign for Argininosuccinate lyase deficiency. Last evaluated: 2026-02-02. Review status: criteria provided, single submitter. Criteria: Invitae Variant Classification Sherloc (09022015). Collection method: clinical testing. Allele origin: germline.

Illumina Laboratory Services, Illumina
Classification: Likely benign for Argininosuccinate lyase deficiency. Last evaluated: 2018-01-13. Review status: criteria provided, single submitter. Criteria: ICSL Variant Classification Criteria 13 December 2019. Collection method: clinical testing. Allele origin: germline.
Comment: This variant was observed in the ICSL laboratory as part of a predisposition screen in an ostensibly healthy population. It had not been previously curated by ICSL or reported in the Human Gene Mutation Database (HGMD: prior to June 1st, 2018), and was therefore a candidate for classification through an automated scoring system. Utilizing variant allele frequency, disease prevalence and penetrance estimates, and inheritance mode, an automated score was calculated to assess if this variant is too frequent to cause the disease. Based on the score and internal cut-off values, a variant classified as likely benign is not then subjected to further curation. The score for this variant resulted in a classification of likely benign for this disease.

GeneDx
Classification: Likely benign. Last evaluated: 2017-05-22. Review status: criteria provided, single submitter. Criteria: GeneDx Variant Classification (06012015). Collection method: clinical testing. Allele origin: germline. Affected: yes.
Comment: This variant is considered likely benign or benign based on one or more of the following criteria: it is a conservative change, it occurs at a poorly conserved position in the protein, it is predicted to be benign by multiple in silico algorithms, and/or has population frequency not consistent with disease.

Dr. Peter K. Rogan Lab, Western University
No classification provided (evidence only). Condition: Familial cancer of breast. Review status: no classification provided. Collection method: in vitro. Allele origin: not applicable. Functional consequence: retained intron. Not counted in ClinVar's aggregate classification.

Dr. Peter K. Rogan Lab, Western University
No classification provided (evidence only). Condition: Thymoma. Review status: no classification provided. Collection method: in vitro. Allele origin: not applicable. Functional consequence: retained intron. Not counted in ClinVar's aggregate classification.

Dr. Peter K. Rogan Lab, Western University
No classification provided (evidence only). Condition: Gastric cancer. Review status: no classification provided. Collection method: in vitro. Allele origin: not applicable. Functional consequence: retained intron. Not counted in ClinVar's aggregate classification.

Dr. Peter K. Rogan Lab, Western University
No classification provided (evidence only). Condition: Malignant tumor of esophagus. Review status: no classification provided. Collection method: in vitro. Allele origin: not applicable. Functional consequence: retained intron. Not counted in ClinVar's aggregate classification.

NM_000048.4(ASL):c.656-5C>A

Gene: ASL (argininosuccinate lyase; plus strand). Cytogenetic location: 7q11.21.
Variant type: single nucleotide variant.
Coding change: c.656-5C>A on transcript NM_000048.4 (MANE Select); 5 bases into the intron before coding-DNA position 656, C replaced by A.
Molecular consequence: intron variant.
Genome position (GRCh38, 1-based): chr7:66,087,724, C>A. VCF-style: chr7-66087724-C-A. GRCh37 (hg19) VCF-style: chr7-65552711-C-A.
Other names: c.656-5C>A (NM_001024943.2, NM_001024944.2); c.578-5C>A (NM_001024946.2).
Identifiers: ClinVar variation 360566 (VCV000360566.16), dbSNP rs201814807, ClinGen allele CA4277088.